The following is an entry in ClinVar:

NM_004168.4(SDHA):c.1313G>C (p.Cys438Ser)

Gene: SDHA (succinate dehydrogenase complex flavoprotein subunit A; plus strand). Cytogenetic location: 5p15.33.
Variant type: single nucleotide variant.
Coding change: c.1313G>C on transcript NM_004168.4 (MANE Select); coding-DNA position 1313, G replaced by C.
Protein change: p.Cys438Ser; replaces cysteine 438 with serine.
Molecular consequence: missense variant.
Genome position (GRCh38, 1-based): chr5:236,480, G>C. VCF-style: chr5-236480-G-C. GRCh37 (hg19) VCF-style: chr5-236595-G-C.
Other names: c.1169G>C, p.Cys390Ser (NM_001294332.2); c.1313G>C, p.Cys438Ser (NM_001330758.2); short protein forms C390S, C438S.
Identifiers: ClinVar variation 999661 (VCV000999661.11), dbSNP rs1424809160, ClinGen allele CA359013906.

ClinVar aggregate classification (germline): Uncertain significance. Review status: criteria provided, multiple submitters, no conflicts (2 of 4 stars). 2 submissions from 2 submitters: Uncertain significance (2). Last evaluated 2022-04-13.

Conditions:
Hereditary cancer-predisposing syndrome. Also called: Tumor predisposition; Hereditary neoplastic syndrome; Neoplastic Syndromes, Hereditary; Hereditary Cancer Syndrome. Identifiers: Orphanet 140162, MedGen C0027672, MeSH D009386, MONDO:0015356.
Mitochondrial complex II deficiency, nuclear type 1. Also called: SUCCINATE CoQ REDUCTASE DEFICIENCY. Identifiers: Orphanet 3208, MedGen C5700310, MONDO:0100294, OMIM 252011.
Pheochromocytoma/paraganglioma syndrome 5. Also called: Paragangliomas 5; SDHA-Related Hereditary Paraganglioma-Pheochromocytoma Syndrome. Identifiers: Orphanet 29072, MedGen C3279992, MONDO:0013602, OMIM 614165.

Submissions (2):

Labcorp Genetics (formerly Invitae), Labcorp
Classification: Uncertain significance for Pheochromocytoma/paraganglioma syndrome 5; Mitochondrial complex II deficiency, nuclear type 1. Last evaluated: 2022-04-13. Review status: criteria provided, single submitter. Criteria: Invitae Variant Classification Sherloc (09022015). Collection method: clinical testing. Allele origin: germline.
Comment: In summary, the available evidence is currently insufficient to determine the role of this variant in disease. Therefore, it has been classified as a Variant of Uncertain Significance. Advanced modeling of protein sequence and biophysical properties (such as structural, functional, and spatial information, amino acid conservation, physicochemical variation, residue mobility, and thermodynamic stability) performed at Invitae indicates that this missense variant is not expected to disrupt SDHA protein function. ClinVar contains an entry for this variant (Variation ID: 999661). This variant has not been reported in the literature in individuals affected with SDHA-related conditions. This variant is present in population databases (no rsID available, gnomAD 0.006%). This sequence change replaces cysteine, which is neutral and slightly polar, with serine, which is neutral and polar, at codon 438 of the SDHA protein (p.Cys438Ser).

Ambry Genetics
Classification: Uncertain significance for Hereditary cancer-predisposing syndrome. Last evaluated: 2020-12-14. Review status: criteria provided, single submitter. Criteria: Ambry Variant Classification Scheme 2023. Collection method: clinical testing. Allele origin: germline.
Comment: The p.C438S variant (also known as c.1313G>C), located in coding exon 10 of the SDHA gene, results from a G to C substitution at nucleotide position 1313. The cysteine at codon 438 is replaced by serine, an amino acid with dissimilar properties. This amino acid position is highly conserved in available vertebrate species. In addition, this alteration is predicted to be deleterious by in silico analysis. Since supporting evidence is limited at this time, the clinical significance of this alteration remains unclear.